The following is an entry in ClinVar:

ClinVar aggregate classification (germline): Uncertain significance (1 of 4 stars; one submission).

Submission:

Ambry Genetics
Classification: Uncertain significance. Last evaluated: 2023-03-27. Review status: criteria provided, single submitter. Criteria: Ambry Variant Classification Scheme 2023. Collection method: clinical testing. Allele origin: germline.
Comment: The p.V1332I variant (also known as c.3994G>A), located in coding exon 26 of the MYOM1 gene, results from a G to A substitution at nucleotide position 3994. The valine at codon 1332 is replaced by isoleucine, an amino acid with highly similar properties. This amino acid position is conserved. In addition, this alteration is predicted to be tolerated by in silico analysis. Since supporting evidence is limited at this time, the clinical significance of this alteration remains unclear.

NM_003803.4(MYOM1):c.3994G>A (p.Val1332Ile)

Gene: MYOM1 (myomesin 1; minus strand). Cytogenetic location: 18p11.31.
Variant type: single nucleotide variant.
Coding change: c.3994G>A on transcript NM_003803.4 (MANE Select); coding-DNA position 3994, G replaced by A.
Protein change: p.Val1332Ile; replaces valine 1332 with isoleucine.
Molecular consequence: missense variant.
Genome position (GRCh38, 1-based): chr18:3,090,673, C>T on the plus strand (G>A on the coding strand, the complement: MYOM1 is on the minus strand). VCF-style: chr18-3090673-C-T. GRCh37 (hg19) VCF-style: chr18-3090671-C-T.
Other names: c.3706G>A, p.Val1236Ile (NM_019856.2); short protein forms V1236I, V1332I.
Identifiers: ClinVar variation 2562736 (VCV002562736.2), dbSNP rs2510510322, ClinGen allele CA401712171.